The following is an entry in ClinVar:

ClinVar aggregate classification (germline): Uncertain significance (1 of 4 stars; one submission).

Allele frequency attached by ClinVar (database versions not stated): gnomAD exomes below 0.00001.
gnomAD v4.1: 3 of 1,614,036 alleles (0.00019%); highest among the groups gnomAD compares: South Asian, 0.0011%; no homozygotes.

Submission:

Women's Health and Genetics/Laboratory Corporation of America, LabCorp
Classification: Uncertain significance. Last evaluated: 2022-07-21. Review status: criteria provided, single submitter. Criteria: LabCorp Variant Classification Summary - May 2015. Collection method: clinical testing. Allele origin: germline.
Comment: Variant summary: DEAF1 c.527C>A (p.Ser176Tyr) results in a non-conservative amino acid change in the encoded protein sequence. Three of five in-silico tools predict a damaging effect of the variant on protein function. The variant was absent in 250458 control chromosomes (gnomAD). The available data on variant occurrences in the general population are insufficient to allow any conclusion about variant significance. To our knowledge, no occurrence of c.527C>A in individuals affected with Mental Retardation, Autosomal Dominant 24 and no experimental evidence demonstrating its impact on protein function have been reported. No clinical diagnostic laboratories have submitted clinical-significance assessments for this variant to ClinVar after 2014. Based on the evidence outlined above, the variant was classified as uncertain significance.

NM_021008.4(DEAF1):c.527C>A (p.Ser176Tyr)

Gene: DEAF1 (DEAF1 transcription factor; minus strand). Cytogenetic location: 11p15.5.
Variant type: single nucleotide variant.
Coding change: c.527C>A on transcript NM_021008.4 (MANE Select); coding-DNA position 527, C replaced by A.
Protein change: p.Ser176Tyr; replaces serine 176 with tyrosine.
Molecular consequence: missense variant. On other transcripts: 5 prime UTR variant (1).
Genome position (GRCh38, 1-based): chr11:688,048, G>T on the plus strand (C>A on the coding strand, the complement: DEAF1 is on the minus strand). VCF-style: chr11-688048-G-T. GRCh37 (hg19) VCF-style: chr11-688048-G-T.
Other names: c.527C>A, p.Ser176Tyr (NM_001293634.2); c.-200C>A (NM_001367390.1); short protein forms S176Y.
Identifiers: ClinVar variation 1704592 (VCV001704592.1), dbSNP rs2494455930, ClinGen allele CA378934417.